The following is an entry in ClinVar:

NM_001855.5(COL15A1):c.1172C>T (p.Thr391Met)

Gene: COL15A1 (collagen type XV alpha 1 chain; plus strand). Cytogenetic location: 9q22.33.
Variant type: single nucleotide variant.
Coding change: c.1172C>T on transcript NM_001855.5 (MANE Select); coding-DNA position 1172, C replaced by T.
Protein change: p.Thr391Met; replaces threonine 391 with methionine.
Molecular consequence: missense variant.
Genome position (GRCh38, 1-based): chr9:99,003,559, C>T. VCF-style: chr9-99003559-C-T. GRCh37 (hg19) VCF-style: chr9-101765841-C-T.
Other names: short protein forms T391M.
Identifiers: ClinVar variation 708044 (VCV000708044.5), dbSNP rs10988532, ClinGen allele CA5154796.

ClinVar aggregate classification (germline): Benign. Review status: criteria provided, single submitter (1 of 4 stars). 2 submissions from 2 submitters: Benign (1). 1 of the submissions does not count toward it. Last evaluated 2017-12-14.

Conditions:
COL15A1-related disorder. Also called: COL15A1-related condition.

Allele frequency attached by ClinVar (database versions not stated): ESP Exome Variant Server 0.00015; gnomAD 0.00232 and 0.00317; TOPMed 0.00367; gnomAD exomes 0.00569; ExAC 0.00679; 1000 Genomes Project 30x 0.01546; 1000 Genomes Project 0.01697.
gnomAD v4.1: 3,141 of 1,552,182 alleles (0.2%); highest among the groups gnomAD compares: East Asian, 6.2%; 109 homozygotes.

Submissions (2):

Labcorp Genetics (formerly Invitae), Labcorp
Classification: Benign. Last evaluated: 2017-12-14. Review status: criteria provided, single submitter. Criteria: Invitae Variant Classification Sherloc (09022015). Collection method: clinical testing. Allele origin: germline.

PreventionGenetics, part of Exact Sciences
Classification: Benign for COL15A1-related condition. Last evaluated: 2019-06-13. Review status: no assertion criteria provided. Collection method: clinical testing. Allele origin: germline. Not counted in ClinVar's aggregate classification.
Comment: This variant is classified as benign based on ACMG/AMP sequence variant interpretation guidelines (Richards et al. 2015 PMID: 25741868, with internal and published modifications).